The following is an entry in ClinVar:

NM_005514.8(HLA-B):c.311del (p.Asn104fs)

Gene: HLA-B (major histocompatibility complex, class I, B; minus strand). Cytogenetic location: 6p21.33.
Variant type: Deletion.
Coding change: c.311del on transcript NM_005514.8 (MANE Select); coding-DNA position 311, one base deleted (A; older notation c.311delA).
Protein change: p.Asn104fs; shifts the reading frame from asparagine 104.
Molecular consequence: frameshift variant.
Genome position (GRCh38, 1-based): chr6:31,356,720, T deleted on the plus strand (A on the coding strand, the reverse complement: HLA-B is on the minus strand); the first of 2 consecutive T bases (chr6:31,356,720-31,356,721); deleting either gives the same sequence. VCF-style (leftmost placement, unchanged base first): chr6-31356719-GT-G. GRCh37 (hg19) VCF-style: chr6-31324496-GT-G.
Other names: short protein forms N104fs.
Identifiers: ClinVar variation 3056094 (VCV003056094.2), dbSNP rs66473235, ClinGen allele CA3711733.

ClinVar aggregate classification (germline): Likely benign (0 of 4 stars; one submission).

Conditions:
HLA-B-related disorder. Also called: HLA-B-related condition.

Submission:

PreventionGenetics, part of Exact Sciences
Classification: Likely benign for HLA-B-related condition. Last evaluated: 2020-12-17. Review status: no assertion criteria provided. Collection method: clinical testing. Allele origin: germline.
Comment: This variant is classified as likely benign based on ACMG/AMP sequence variant interpretation guidelines (Richards et al. 2015 PMID: 25741868, with internal and published modifications).